The following is an entry in ClinVar:

ClinVar aggregate classification (germline): Uncertain significance (1 of 4 stars; one submission).

Conditions:
Myofibrillar myopathy 4. Also called: Zaspopathy (type). Identifiers: Orphanet 98912, MedGen C4721886, MONDO:0012277, OMIM 609452.

Submission:

Labcorp Genetics (formerly Invitae), Labcorp
Classification: Uncertain significance for Myofibrillar myopathy 4. Last evaluated: 2025-06-25. Review status: criteria provided, single submitter. Criteria: Invitae Variant Classification Sherloc (09022015). Collection method: clinical testing. Allele origin: germline.
Comment: The LDB3 gene has multiple clinically relevant transcripts. This variant occurs in alternate transcript NM_007078.3, and corresponds to NM_001080116.1:c.*33596C>T in the primary transcript. This sequence change affects codon 726 of the LDB3 mRNA. It is a 'silent' change, meaning that it does not change the encoded amino acid sequence of the LDB3 protein. This variant is not present in population databases (gnomAD no frequency). This variant has not been reported in the literature in individuals affected with LDB3-related conditions. Experimental studies and prediction algorithms are not available or were not evaluated, and the effect of this variant on mRNA splicing is currently unknown. In summary, the available evidence is currently insufficient to determine the role of this variant in disease. Therefore, it has been classified as a Variant of Uncertain Significance.

NM_007078.3(LDB3):c.2178C>T (p.Asn726=)

Gene: LDB3 (LIM domain binding 3; plus strand). Cytogenetic location: 10q23.2.
Variant type: single nucleotide variant.
Coding change: c.2178C>T on transcript NM_007078.3 (MANE Select); coding-DNA position 2178, C replaced by T.
Protein change: p.Asn726=; no amino-acid change (asparagine 726 retained).
Molecular consequence: synonymous variant.
Genome position (GRCh38, 1-based): chr10:86,732,970, C>T. VCF-style: chr10-86732970-C-T. GRCh37 (hg19) VCF-style: chr10-88492727-C-T.
Other names: c.1848C>T, p.Asn616= (NM_001080114.2); c.2193C>T, p.Asn731= (NM_001171610.2); c.1989C>T, p.Asn663= (NM_001368064.1, NM_001368065.1); c.2037C>T, p.Asn679= (NM_001368066.1).
Identifiers: ClinVar variation 4754741 (VCV004754741.1).
Genomic context (GRCh38, chr10:86,732,970, plus strand): 5'-GCAGCCGTTCTACTCCAAGAAGGACAGACCCCTGTGCAAGAAGCACGCACACACCATCAA[C>T]TTGTAGGCGGCCAAGGCCGCCTGTGCTGACGAGGCCCGGAGCTGCTCCTGCTGCTGGCAA-3'
Protein context (NP_009009.1, residues 716-727): PLCKKHAHTI[Asn726=]L